The following is an entry in ClinVar:

ClinVar aggregate classification (germline): Uncertain significance. Review status: criteria provided, multiple submitters, no conflicts (2 of 4 stars). 2 submissions from 2 submitters: Uncertain significance (2). Last evaluated 2025-05-28.

Conditions:
Joubert syndrome. Also called: JOUBERT-BOLTSHAUSER SYNDROME; Familial aplasia of the vermis. Identifiers: Orphanet 475, MedGen C5979921, MONDO:0018772.
Meckel-Gruber syndrome. Also called: DYSENCEPHALIA SPLANCHNOCYSTICA; GRUBER SYNDROME; Dysencephalia splachnocystica. Identifiers: Orphanet 564, MedGen C0265215, MONDO:0018921.
Inborn genetic diseases. Identifiers: MedGen C0950123, MeSH D030342.

Allele frequency attached by ClinVar (database versions not stated): gnomAD exomes below 0.00001; TOPMed 0.00001.
gnomAD v4.1: 12 of 1,613,902 alleles (0.00074%); highest among the groups gnomAD compares: Admixed American, 0.0033%; no homozygotes.

Submissions (2):

Ambry Genetics
Classification: Uncertain significance for Inborn genetic diseases. Last evaluated: 2025-05-28. Review status: criteria provided, single submitter. Criteria: Ambry Variant Classification Scheme 2023. Collection method: clinical testing. Allele origin: germline.

Labcorp Genetics (formerly Invitae), Labcorp
Classification: Uncertain significance for Joubert syndrome; Meckel-Gruber syndrome. Last evaluated: 2024-05-15. Review status: criteria provided, single submitter. Criteria: Invitae Variant Classification Sherloc (09022015). Collection method: clinical testing. Allele origin: germline.
Comment: This sequence change replaces arginine, which is basic and polar, with cysteine, which is neutral and slightly polar, at codon 1302 of the CC2D2A protein (p.Arg1302Cys). This variant is present in population databases (no rsID available, gnomAD 0.003%). This variant has not been reported in the literature in individuals affected with CC2D2A-related conditions. ClinVar contains an entry for this variant (Variation ID: 1448448). Advanced modeling of protein sequence and biophysical properties (such as structural, functional, and spatial information, amino acid conservation, physicochemical variation, residue mobility, and thermodynamic stability) performed at Invitae indicates that this missense variant is expected to disrupt CC2D2A protein function with a positive predictive value of 95%. In summary, the available evidence is currently insufficient to determine the role of this variant in disease. Therefore, it has been classified as a Variant of Uncertain Significance.

NM_001378615.1(CC2D2A):c.3904C>T (p.Arg1302Cys)

Genes: CC2D2A (coiled-coil and C2 domain containing 2A; plus strand), FBXL5 (F-box and leucine rich repeat protein 5; minus strand). Cytogenetic location: 4p15.32.
Variant type: single nucleotide variant.
Coding change: c.3904C>T on transcript NM_001378615.1 (MANE Select); coding-DNA position 3904, C replaced by T.
Protein change: p.Arg1302Cys; replaces arginine 1302 with cysteine.
Molecular consequence: missense variant.
Genome position (GRCh38, 1-based): chr4:15,580,100, C>T. VCF-style: chr4-15580100-C-T. GRCh37 (hg19) VCF-style: chr4-15581723-C-T.
Other names: c.3904C>T, p.Arg1302Cys (NM_001080522.2); c.3757C>T, p.Arg1253Cys (NM_001378617.1); short protein forms R1253C, R1302C.
Identifiers: ClinVar variation 1448448 (VCV001448448.5), dbSNP rs1398696429, ClinGen allele CA356426335.
Genomic context (GRCh38, chr4:15,580,100, plus strand): 5'-CCAAATCGTCAGTGCCTTACAACAGTAATTGATATAAGCGGAAAAACTGTTTTTATCACA[C>T]GTTATCTCAAACCTTTAAACCCTCCTCAGGAGCTCCTTAATGTCTACCCCAATAATCTAC-3'
Protein context (NP_001365544.1, residues 1292-1312): DISGKTVFIT[Arg1302Cys]YLKPLNPPQE